The following is an entry in ClinVar:

NM_000059.4(BRCA2):c.38A>T (p.Glu13Val)

Gene: BRCA2 (BRCA2 DNA repair associated; plus strand). Cytogenetic location: 13q13.1.
Variant type: single nucleotide variant.
Coding change: c.38A>T on transcript NM_000059.4 (MANE Select); coding-DNA position 38, A replaced by T.
Protein change: p.Glu13Val; replaces glutamic acid 13 with valine.
Molecular consequence: missense variant. On other transcripts: non-coding transcript variant (1), intron variant (1).
Genome position (GRCh38, 1-based): chr13:32,316,498, A>T. VCF-style: chr13-32316498-A-T. GRCh37 (hg19) VCF-style: chr13-32890635-A-T.
Other names: c.38A>T, p.Glu13Val (NM_001406719.1, NM_001406720.1, NM_001406721.1 and 1 more transcripts); c.-303+831A>T (NM_001406722.1); short protein forms E13V.
Identifiers: ClinVar variation 3482165 (VCV003482165.1).
Genomic context (GRCh38, chr13:32,316,498, plus strand): 5'-TTGGAGGAATATCGTAGGTAAAAATGCCTATTGGATCCAAAGAGAGGCCAACATTTTTTG[A>T]AATTTTTAAGACACGCTGCAACAAAGCAGGTATTGACAAATTTTATATAACTTTATAAAT-3'
Protein context (NP_000050.3, residues 3-23): IGSKERPTFF[Glu13Val]IFKTRCNKAD

ClinVar aggregate classification (germline): Uncertain significance (1 of 4 stars; one submission).

Conditions:
Hereditary cancer-predisposing syndrome. Also called: Tumor predisposition; Neoplastic Syndromes, Hereditary; Hereditary Cancer Syndrome; Hereditary neoplastic syndrome. Identifiers: Orphanet 140162, MedGen C0027672, MeSH D009386, MONDO:0015356.

gnomAD v4.1: 1 of 1,614,134 alleles (0.000062%); highest among the groups gnomAD compares: Non-Finnish European, 0.000085%; no homozygotes.

Submission:

Ambry Genetics
Classification: Uncertain significance for Hereditary cancer-predisposing syndrome. Last evaluated: 2024-11-02. Review status: criteria provided, single submitter. Criteria: Ambry Variant Classification Scheme 2023. Collection method: clinical testing. Allele origin: germline.
Comment: The p.E13V variant (also known as c.38A>T), located in coding exon 1 of the BRCA2 gene, results from an A to T substitution at nucleotide position 38. The glutamic acid at codon 13 is replaced by valine, an amino acid with dissimilar properties. This amino acid position is conserved. In addition, this alteration is predicted to be tolerated by in silico analysis. Based on the available evidence, the clinical significance of this variant remains unclear.